The following is an entry in ClinVar:

NM_001395362.2(RTL4):c.872G>A (p.Arg291Lys)

Gene: RTL4 (retrotransposon Gag like 4; plus strand). Cytogenetic location: Xq23.
Variant type: single nucleotide variant.
Coding change: c.872G>A on transcript NM_001395362.2 (MANE Select); coding-DNA position 872, G replaced by A.
Protein change: p.Arg291Lys; replaces arginine 291 with lysine.
Molecular consequence: missense variant.
Genome position (GRCh38, 1-based): chrX:112,455,600, G>A. VCF-style: chrX-112455600-G-A. GRCh37 (hg19) VCF-style: chrX-111698828-G-A.
Other names: c.872G>A (NM_001004308.2); c.872G>A, p.Arg291Lys (NM_001004308.3); short protein forms R291K.
Identifiers: ClinVar variation 2661221 (VCV002661221.26), dbSNP rs142493701, ClinGen allele CA10494616.
Genomic context (GRCh38, chrX:112,455,600, plus strand): 5'-GAGCCCGCCAGCAAGAAACTCAGTTGTGCCTCTACTGCAGCCAATCTGGTCACTTCACAA[G>A]AGATTGCCTTGCCAAACGTTCTCGAGCTCCGGCAACGACAAATAACACAGCTCACCAGTA-3'
Protein context (NP_001382291.1, residues 281-301): LYCSQSGHFT[Arg291Lys]DCLAKRSRAP

ClinVar aggregate classification (germline): Conflicting classifications of pathogenicity. Review status: criteria provided, conflicting classifications (1 of 4 stars). 2 submissions from 2 submitters: Uncertain significance (1); Likely benign (1). Last evaluated 2025-08-10.

Allele frequency attached by ClinVar (database versions not stated): gnomAD exomes 0.00003; ExAC 0.00013; ESP Exome Variant Server 0.00019; gnomAD 0.00019; TOPMed 0.00027.
gnomAD v4.1: 52 of 1,209,533 alleles (0.0043%); highest among the groups gnomAD compares: African/African-American, 0.084%; no homozygotes.

Submissions (2):

Ambry Genetics
Classification: Uncertain significance. Last evaluated: 2025-08-10. Review status: criteria provided, single submitter. Criteria: Ambry Variant Classification Scheme 2023. Collection method: clinical testing. Allele origin: germline.

CeGaT Center for Human Genetics Tuebingen
Classification: Likely benign. Last evaluated: 2022-09-01. Review status: criteria provided, single submitter. Criteria: CeGaT Center For Human Genetics Tuebingen Variant Classification Criteria Version 2. Collection method: clinical testing. Allele origin: germline. Affected: yes. Observed: 1 variant allele.
Comment: RTL4: BP4, BS2